The following is an entry in ClinVar:

ClinVar aggregate classification (germline): Uncertain significance. Review status: criteria provided, multiple submitters, no conflicts (2 of 4 stars). 2 submissions from 2 submitters: Uncertain significance (2). Last evaluated 2025-12-31.

Conditions:
KDM1A-related disorder. Also called: KDM1A-related condition.

Allele frequency attached by ClinVar (database versions not stated): ExAC 0.00001; gnomAD 0.00001; gnomAD exomes 0.00001; TOPMed 0.00001.
gnomAD v4.1: 10 of 1,598,636 alleles (0.00063%); highest among the groups gnomAD compares: Non-Finnish European, 0.00077%; no homozygotes.

Submissions (2):

Labcorp Genetics (formerly Invitae), Labcorp
Classification: Uncertain significance. Last evaluated: 2025-12-31. Review status: criteria provided, single submitter. Criteria: Invitae Variant Classification Sherloc (09022015). Collection method: clinical testing. Allele origin: germline.
Comment: This sequence change replaces leucine, which is neutral and non-polar, with phenylalanine, which is neutral and non-polar, at codon 475 of the KDM1A protein (p.Leu475Phe). This variant is present in population databases (rs773662361, gnomAD 0.0009%). This missense change has been observed in individual(s) with multiple myeloma (PMID: 29559475). ClinVar contains an entry for this variant (Variation ID: 2632664). Invitae Evidence Modeling of protein sequence and biophysical properties (such as structural, functional, and spatial information, amino acid conservation, physicochemical variation, residue mobility, and thermodynamic stability) indicates that this missense variant is not expected to disrupt KDM1A protein function with a negative predictive value of 80%. In summary, the available evidence is currently insufficient to determine the role of this variant in disease. Therefore, it has been classified as a Variant of Uncertain Significance.

PreventionGenetics, part of Exact Sciences
Classification: Uncertain significance for KDM1A-related condition. Last evaluated: 2023-06-23. Review status: criteria provided, single submitter. Criteria: ACMG Guidelines, 2015. Collection method: clinical testing. Allele origin: germline.
Comment: The KDM1A c.1425G>C variant is predicted to result in the amino acid substitution p.Leu475Phe. To our knowledge, this variant has not been reported in individuals with KDM1A-related disease. This variant is reported in 0.00091% of alleles in individuals of European (Non-Finnish) descent in gnomAD. At this time, the clinical significance of this variant is uncertain due to the absence of conclusive functional and genetic evidence.

Literature cited by the submitters: PubMed 29559475 (cited by Labcorp Genetics (formerly Invitae), Labcorp).

NM_001009999.3(KDM1A):c.1425G>C (p.Leu475Phe)

Gene: KDM1A (lysine demethylase 1A; plus strand). Cytogenetic location: 1p36.12.
Variant type: single nucleotide variant.
Coding change: c.1425G>C on transcript NM_001009999.3 (MANE Select); coding-DNA position 1425, G replaced by C.
Protein change: p.Leu475Phe; replaces leucine 475 with phenylalanine.
Molecular consequence: missense variant.
Genome position (GRCh38, 1-based): chr1:23,071,236, G>C. VCF-style: chr1-23071236-G-C. GRCh37 (hg19) VCF-style: chr1-23397729-G-C.
Other names: c.1353G>C, p.Leu451Phe (NM_001363654.2, NM_001410763.1, NM_015013.4); c.1413G>C, p.Leu471Phe (NM_001410762.1); short protein forms L451F, L471F, L475F.
Identifiers: ClinVar variation 2632664 (VCV002632664.2), dbSNP rs773662361, ClinGen allele CA679735.